The following is an entry in ClinVar:

ClinVar aggregate classification (germline): Likely benign (1 of 4 stars; one submission).

Allele frequency attached by ClinVar (database versions not stated): ExAC 0.00108; gnomAD 0.00327.
gnomAD v4.1: 2,771 of 1,485,008 alleles (0.19%); highest among the groups gnomAD compares: Non-Finnish European, 0.2%; 6 homozygotes.

Submission:

CeGaT Center for Human Genetics Tuebingen
Classification: Likely benign. Last evaluated: 2022-04-01. Review status: criteria provided, single submitter. Criteria: CeGaT Center For Human Genetics Tuebingen Variant Classification Criteria Version 2. Collection method: clinical testing. Allele origin: germline. Affected: yes. Observed: 1 variant allele.
Comment: ANKRD30A: BP4, BP7

NM_052997.3(ANKRD30A):c.2115G>A (p.Ala705=)

Gene: ANKRD30A (ankyrin repeat domain 30A; plus strand). Cytogenetic location: 10p11.21.
Variant type: single nucleotide variant.
Coding change: c.2115G>A on transcript NM_052997.3 (MANE Select); coding-DNA position 2115, G replaced by A.
Protein change: p.Ala705=; no amino-acid change (alanine 705 retained).
Molecular consequence: synonymous variant.
Genome position (GRCh38, 1-based): chr10:37,166,655, G>A. VCF-style: chr10-37166655-G-A. GRCh37 (hg19) VCF-style: chr10-37455583-G-A.
Identifiers: ClinVar variation 2640411 (VCV002640411.24), dbSNP rs41276132, ClinGen allele CA5471749.
Genomic context (GRCh38, chr10:37,166,655, plus strand): 5'-CTTTTAACAGAGTCTCTGTGAGACTGTTTCACAGAAGGATGTGTGTTTACCCAAGGCTGC[G>A]CATCAAAAAGAAATAGATAAAATAAATGGAAAATTAGAAGGTAAGAACCGTTTTTTATTT-3'
Protein context (NP_443723.3, residues 695-715): SQKDVCLPKA[Ala705=]HQKEIDKING